The following is an entry in ClinVar:

NM_052813.5(CARD9):c.1382C>T (p.Pro461Leu)

Gene: CARD9 (caspase recruitment domain family member 9; minus strand). Cytogenetic location: 9q34.3.
Variant type: single nucleotide variant.
Coding change: c.1382C>T on transcript NM_052813.5 (MANE Select); coding-DNA position 1382, C replaced by T.
Protein change: p.Pro461Leu; replaces proline 461 with leucine.
Molecular consequence: missense variant.
Genome position (GRCh38, 1-based): chr9:136,365,193, G>A on the plus strand (C>T on the coding strand, the complement: CARD9 is on the minus strand). VCF-style: chr9-136365193-G-A. GRCh37 (hg19) VCF-style: chr9-139259645-G-A.
Other names: c.1382C>T, p.Pro461Leu (NM_052814.4); short protein forms P461L.
Identifiers: ClinVar variation 365834 (VCV000365834.12), dbSNP rs774571551, ClinGen allele CA5332654.

ClinVar aggregate classification (germline): Uncertain significance. Review status: criteria provided, multiple submitters, no conflicts (2 of 4 stars). 2 submissions from 2 submitters: Uncertain significance (2). Last evaluated 2018-01-13.

Conditions:
Predisposition to invasive fungal disease due to CARD9 deficiency (IMD103). Also called: CARD9 IMMUNODEFICIENCY; Candidiasis, familial, 2, autosomal recessive; IMMUNODEFICIENCY 103, SUSCEPTIBILITY TO FUNGAL INFECTIONS. Identifiers: Orphanet 457088, MedGen C1859353, MONDO:0008905, OMIM 212050.

Allele frequency attached by ClinVar (database versions not stated): ExAC 0.00001; gnomAD 0.00003; gnomAD exomes 0.00003; TOPMed 0.00005.
gnomAD v4.1: 11 of 1,610,178 alleles (0.00068%); highest among the groups gnomAD compares: African/African-American, 0.0093%; no homozygotes.

Submissions (2):

Illumina Laboratory Services, Illumina
Classification: Uncertain significance for Predisposition to invasive fungal disease due to CARD9 deficiency. Last evaluated: 2018-01-13. Review status: criteria provided, single submitter. Criteria: ICSL Variant Classification Criteria 13 December 2019. Collection method: clinical testing. Allele origin: germline.

Labcorp Genetics (formerly Invitae), Labcorp
Classification: Uncertain significance for Predisposition to invasive fungal disease due to CARD9 deficiency. Last evaluated: 2017-11-24. Review status: criteria provided, single submitter. Criteria: Invitae Variant Classification Sherloc (09022015). Collection method: clinical testing. Allele origin: germline.
Comment: In summary, the available evidence is currently insufficient to determine the role of this variant in disease. Therefore, it has been classified as a Variant of Uncertain Significance. Algorithms developed to predict the effect of missense changes on protein structure and function output the following: SIFT: "Tolerated"; PolyPhen-2: "Benign"; Align-GVGD: "Class C0". The leucine amino acid residue is found in multiple mammalian species, suggesting that this missense change does not adversely affect protein function. These predictions have not been confirmed by published functional studies and their clinical significance is uncertain. This variant has not been reported in the literature in individuals with CARD9-related disease. ClinVar contains an entry for this variant (Variation ID: 365834). This variant is present in population databases (rs774571551, ExAC 0.002%). This sequence change replaces proline with leucine at codon 461 of the CARD9 protein (p.Pro461Leu). The proline residue is highly conserved and there is a moderate physicochemical difference between proline and leucine.